The following is an entry in ClinVar:

NM_020533.3(MCOLN1):c.166_182del (p.Phe56fs)

Gene: MCOLN1 (mucolipin TRP cation channel 1; plus strand). Cytogenetic location: 19p13.2.
Variant type: Deletion.
Coding change: c.166_182del on transcript NM_020533.3 (MANE Select); coding-DNA positions 166 to 182, 17 bases deleted (TTTCGAGCCAAGGGCCG).
Protein change: p.Phe56fs; shifts the reading frame from phenylalanine 56.
Molecular consequence: frameshift variant.
Genome position (GRCh38, 1-based): chr19:7,525,095-7,525,111, TTTCGAGCCAAGGGCCG deleted; deleting any 17 consecutive bases within chr19:7,525,094-7,525,111 gives the same sequence; the c. name uses the placement nearest the transcript's 3' end. VCF-style (leftmost placement, unchanged base first): chr19-7525093-AGTTTCGAGCCAAGGGCC-A. GRCh37 (hg19) VCF-style: chr19-7589979-AGTTTCGAGCCAAGGGCC-A.
Other names: short protein forms F56fs.
Identifiers: ClinVar variation 951639 (VCV000951639.7), dbSNP rs2022549661, ClinGen allele CA1139666204.
Genomic context (GRCh38, chr19:7,525,093, plus strand): 5'-CCCCAGAAGAGGAAGACCTTCGCCGTCGTCTCAAATACTTTTTCATGAGTCCCTGCGACA[AGTTTCGAGCCAAGGGCC>A]GCAAGCCCTGCAAGCTGATGCTGCAAGTGGTCAAGATCCTGGTGGTCACGGTGCAGGTGA-3'

ClinVar aggregate classification (germline): Pathogenic (1 of 4 stars; one submission).

Conditions:
Mucolipidosis type IV (ML4). Also called: ML IV. Identifiers: Orphanet 578, MedGen C0238286, MONDO:0009653, OMIM 252650.

Submission:

Labcorp Genetics (formerly Invitae), Labcorp
Classification: Pathogenic for Mucolipidosis type IV. Last evaluated: 2019-06-20. Review status: criteria provided, single submitter. Criteria: Invitae Variant Classification Sherloc (09022015). Collection method: clinical testing. Allele origin: germline.
Comment: For these reasons, this variant has been classified as Pathogenic. Loss-of-function variants in MCOLN1 are known to be pathogenic (PMID: 11030752, 11317355). This variant has not been reported in the literature in individuals with MCOLN1-related conditions. This variant is not present in population databases (ExAC no frequency). This sequence change creates a premature translational stop signal (p.Phe56Glnfs*26) in the MCOLN1 gene. It is expected to result in an absent or disrupted protein product.

Literature cited by the submitters: PubMed 11030752; PubMed 11317355.